The following is an entry in ClinVar:

ClinVar aggregate classification (germline): Conflicting classifications of pathogenicity. Review status: criteria provided, conflicting classifications (1 of 4 stars). 2 submissions from 1 submitter: Uncertain significance (1); Benign (1). Last evaluated 2018-01-13.

Conditions:
Autosomal recessive nonsyndromic hearing loss 37. Identifiers: Orphanet 90636, MedGen C1843028, MONDO:0011912, OMIM 607821.
Autosomal dominant nonsyndromic hearing loss 22. Also called: Autosomal dominant nonsyndromic deafness 22; DFNA 22. Identifiers: Orphanet 228012, MedGen C2931767, MONDO:0011660, OMIM 606346.

Allele frequency attached by ClinVar (database versions not stated): gnomAD 0.00021 and 0.00106; TOPMed 0.00028; 1000 Genomes Project 0.00679; 1000 Genomes Project 30x 0.00687.

Submissions (2):

Illumina Laboratory Services, Illumina
Classification: Benign for Autosomal dominant nonsyndromic hearing loss 22. Last evaluated: 2018-01-13. Review status: criteria provided, single submitter. Criteria: ICSL Variant Classification Criteria 13 December 2019. Collection method: clinical testing. Allele origin: germline.
Comment: This variant was observed in the ICSL laboratory as part of a predisposition screen in an ostensibly healthy population. It had not been previously curated by ICSL or reported in the Human Gene Mutation Database (HGMD: prior to June 1st, 2018), and was therefore a candidate for classification through an automated scoring system. Utilizing variant allele frequency, disease prevalence and penetrance estimates, and inheritance mode, an automated score was calculated to assess if this variant is too frequent to cause the disease. Based on the score and internal cut-off values, a variant classified as benign is not then subjected to further curation. The score for this variant resulted in a classification of benign for this disease.

Illumina Laboratory Services, Illumina
Classification: Uncertain significance for Autosomal recessive nonsyndromic hearing loss 37. Last evaluated: 2018-01-13. Review status: criteria provided, single submitter. Criteria: ICSL Variant Classification Criteria 13 December 2019. Collection method: clinical testing. Allele origin: germline.

NM_004999.4(MYO6):c.*2996A>G

Gene: MYO6 (myosin VI; plus strand). Cytogenetic location: 6q14.1.
Variant type: single nucleotide variant.
Coding change: c.*2996A>G on transcript NM_004999.4 (MANE Select); 2996 bases downstream of the stop codon, A replaced by G.
Molecular consequence: 3 prime UTR variant. On other transcripts: non-coding transcript variant (1).
Genome position (GRCh38, 1-based): chr6:75,918,008, A>G. VCF-style: chr6-75918008-A-G. GRCh37 (hg19) VCF-style: chr6-76627725-A-G.
Other names: c.*2996A>G (NM_001300899.2, NM_001368136.1, NM_001368137.1 and 3 more transcripts).
Identifiers: ClinVar variation 358037 (VCV000358037.5), dbSNP rs536099586, ClinGen allele CA10624668.